The following is an entry in ClinVar:

NM_004370.6(COL12A1):c.6866A>G (p.His2289Arg)

Gene: COL12A1 (collagen type XII alpha 1 chain; minus strand). Cytogenetic location: 6q13.
Variant type: single nucleotide variant.
Coding change: c.6866A>G on transcript NM_004370.6 (MANE Select); coding-DNA position 6866, A replaced by G.
Protein change: p.His2289Arg; replaces histidine 2289 with arginine.
Molecular consequence: missense variant.
Genome position (GRCh38, 1-based): chr6:75,123,953, T>C on the plus strand (A>G on the coding strand, the complement: COL12A1 is on the minus strand). VCF-style: chr6-75123953-T-C. GRCh37 (hg19) VCF-style: chr6-75833669-T-C.
Other names: c.6866A>G, p.His2289Arg (NM_001424113.1); c.6845A>G, p.His2282Arg (NM_001424114.1); c.6593A>G, p.His2198Arg (NM_001424115.1); c.3374A>G, p.His1125Arg (NM_001424116.1, NM_080645.3); short protein forms H2198R, H1125R, H2289R, H2282R.
Identifiers: ClinVar variation 2953510 (VCV002953510.3), dbSNP rs768103117, ClinGen allele CA3892716.

ClinVar aggregate classification (germline): Uncertain significance (1 of 4 stars; one submission).

Conditions:
Ullrich congenital muscular dystrophy 2 (UCMD2). Identifiers: Orphanet 75840, MedGen C4225314, MONDO:0014654, OMIM 616470.
Bethlem myopathy 2 (BTHLM2). Identifiers: Orphanet 536516, Orphanet 610, MedGen C4225313, MONDO:0034022, OMIM 616471.

Allele frequency attached by ClinVar (database versions not stated): ExAC 0.00001.
gnomAD v4.1: 1 of 1,606,712 alleles (0.000062%); highest among the groups gnomAD compares: Non-Finnish European, 0.000085%; no homozygotes.

Submission:

Labcorp Genetics (formerly Invitae), Labcorp
Classification: Uncertain significance for Bethlem myopathy 2; Ullrich congenital muscular dystrophy 2. Last evaluated: 2023-11-18. Review status: criteria provided, single submitter. Criteria: Invitae Variant Classification Sherloc (09022015). Collection method: clinical testing. Allele origin: germline.
Comment: This sequence change replaces histidine, which is basic and polar, with arginine, which is basic and polar, at codon 2289 of the COL12A1 protein (p.His2289Arg). This variant is present in population databases (rs768103117, gnomAD 0.0009%). This variant has not been reported in the literature in individuals affected with COL12A1-related conditions. Advanced modeling of protein sequence and biophysical properties (such as structural, functional, and spatial information, amino acid conservation, physicochemical variation, residue mobility, and thermodynamic stability) performed at Invitae indicates that this missense variant is not expected to disrupt COL12A1 protein function with a negative predictive value of 80%. In summary, the available evidence is currently insufficient to determine the role of this variant in disease. Therefore, it has been classified as a Variant of Uncertain Significance.